The following is an entry in ClinVar:

NM_170707.4(LMNA):c.702G>C (p.Gln234His)

Gene: LMNA (lamin A/C; plus strand). Cytogenetic location: 1q22.
Variant type: single nucleotide variant.
Coding change: c.702G>C on transcript NM_170707.4 (MANE Select); coding-DNA position 702, G replaced by C.
Protein change: p.Gln234His; replaces glutamine 234 with histidine.
Molecular consequence: missense variant.
Genome position (GRCh38, 1-based): chr1:156,134,867, G>C. VCF-style: chr1-156134867-G-C. GRCh37 (hg19) VCF-style: chr1-156104658-G-C.
Other names: c.366G>C, p.Gln122His (NM_001257374.3); c.459G>C, p.Gln153His (NM_001282624.2); c.702G>C, p.Gln234His (NM_001282625.2, NM_001282626.2, NM_005572.4 and 1 more transcripts); short protein forms Q234H, Q153H, Q122H.
Identifiers: ClinVar variation 570003 (VCV000570003.10), dbSNP rs1558129394, ClinGen allele CA342817228.

ClinVar aggregate classification (germline): Uncertain significance (1 of 4 stars; one submission).

Conditions:
Charcot-Marie-Tooth disease type 2. Also called: Charcot-Marie-Tooth type 2. Identifiers: Orphanet 64746, MedGen C0270914, MONDO:0018993.

Submission:

Labcorp Genetics (formerly Invitae), Labcorp
Classification: Uncertain significance for Charcot-Marie-Tooth disease type 2. Last evaluated: 2022-11-03. Review status: criteria provided, single submitter. Criteria: Invitae Variant Classification Sherloc (09022015). Collection method: clinical testing. Allele origin: germline.
Comment: In summary, the available evidence is currently insufficient to determine the role of this variant in disease. Therefore, it has been classified as a Variant of Uncertain Significance. Advanced modeling of protein sequence and biophysical properties (such as structural, functional, and spatial information, amino acid conservation, physicochemical variation, residue mobility, and thermodynamic stability) performed at Invitae indicates that this missense variant is expected to disrupt LMNA protein function. ClinVar contains an entry for this variant (Variation ID: 570003). This variant has not been reported in the literature in individuals affected with LMNA-related conditions. This variant is not present in population databases (gnomAD no frequency). This sequence change replaces glutamine, which is neutral and polar, with histidine, which is basic and polar, at codon 234 of the LMNA protein (p.Gln234His).